The following is an entry in ClinVar:

ClinVar aggregate classification (germline): Uncertain significance (1 of 4 stars; one submission).

Conditions:
Inborn genetic diseases. Identifiers: MedGen C0950123, MeSH D030342.

Submission:

Ambry Genetics
Classification: Uncertain significance for Inborn genetic diseases. Last evaluated: 2026-01-22. Review status: criteria provided, single submitter. Criteria: Ambry Variant Classification Scheme 2023. Collection method: clinical testing. Allele origin: germline.
Comment: The p.E527A variant (also known as c.1580A>C), located in coding exon 9 of the FANCM gene, results from an A to C substitution at nucleotide position 1580. The glutamic acid at codon 527 is replaced by alanine, an amino acid with dissimilar properties. This amino acid position is conserved. In addition, this alteration is predicted to be tolerated by in silico analysis. Based on the available evidence, the clinical significance of this variant remains unclear.

NM_020937.4(FANCM):c.1580A>C (p.Glu527Ala)

Gene: FANCM (FA complementation group M; plus strand). Cytogenetic location: 14q21.2.
Variant type: single nucleotide variant.
Coding change: c.1580A>C on transcript NM_020937.4 (MANE Select); coding-DNA position 1580, A replaced by C.
Protein change: p.Glu527Ala; replaces glutamic acid 527 with alanine.
Molecular consequence: missense variant.
Genome position (GRCh38, 1-based): chr14:45,159,279, A>C. VCF-style: chr14-45159279-A-C. GRCh37 (hg19) VCF-style: chr14-45628482-A-C.
Other names: c.1502A>C, p.Glu501Ala (NM_001308133.2); c.1580A>C, p.Glu527Ala (NM_001308134.2); short protein forms E501A, E527A.
Identifiers: ClinVar variation 4844546 (VCV004844546.1).
Genomic context (GRCh38, chr14:45,159,279, plus strand): 5'-CTTTTGTCGGCCATGCCTCAGGGAAAAGCACGAAGGGTTTTACCCAGAAGGAGCAACTGG[A>C]GGTAATTATTTTTGGAATTGATAAAAATAAAAATAAGATTGATTAGCTTTGCACTTGTTC-3'
Protein context (NP_065988.1, residues 517-537): TKGFTQKEQL[Glu527Ala]VVKQFRDGGY